The following is an entry in ClinVar:

NM_004714.3(DYRK1B):c.1695T>A (p.Asp565Glu)

Gene: DYRK1B (dual specificity tyrosine phosphorylation regulated kinase 1B; minus strand). Cytogenetic location: 19q13.2.
Variant type: single nucleotide variant.
Coding change: c.1695T>A on transcript NM_004714.3 (MANE Select); coding-DNA position 1695, T replaced by A.
Protein change: p.Asp565Glu; replaces aspartic acid 565 with glutamic acid.
Molecular consequence: missense variant.
Genome position (GRCh38, 1-based): chr19:39,825,910, A>T on the plus strand (T>A on the coding strand, the complement: DYRK1B is on the minus strand). VCF-style: chr19-39825910-A-T. GRCh37 (hg19) VCF-style: chr19-40316550-A-T.
Other names: c.1695T>A (NM_004714.2); c.1575T>A, p.Asp525Glu (NM_006483.3); c.1611T>A, p.Asp537Glu (NM_006484.3); short protein forms D525E, D565E, D537E.
Identifiers: ClinVar variation 2781163 (VCV002781163.4), dbSNP rs2514821553, ClinGen allele CA405820967.

ClinVar aggregate classification (germline): Uncertain significance. Review status: criteria provided, multiple submitters, no conflicts (2 of 4 stars). 2 submissions from 2 submitters: Uncertain significance (2). Last evaluated 2026-08-10.

Conditions:
DYRK1B-related disorder. Also called: DYRK1B-related condition.

Submissions (2):

PreventionGenetics, part of Exact Sciences
Classification: Uncertain significance for DYRK1B-related condition. Last evaluated: 2026-08-10. Review status: criteria provided, single submitter. Criteria: ACMG Guidelines, 2015. Collection method: clinical testing. Allele origin: germline.
Comment: The DYRK1B c.1695T>A variant is predicted to result in the amino acid substitution p.Asp565Glu. To our knowledge, this variant has not been reported in the literature or in a large population database (gnomAD), indicating this variant is rare. At this time, the clinical significance of this variant is uncertain due to the absence of conclusive functional and genetic evidence.

Labcorp Genetics (formerly Invitae), Labcorp
Classification: Uncertain significance. Last evaluated: 2023-10-11. Review status: criteria provided, single submitter. Criteria: Invitae Variant Classification Sherloc (09022015). Collection method: clinical testing. Allele origin: germline.
Comment: This sequence change replaces aspartic acid, which is acidic and polar, with glutamic acid, which is acidic and polar, at codon 565 of the DYRK1B protein (p.Asp565Glu). This variant is not present in population databases (gnomAD no frequency). This variant has not been reported in the literature in individuals affected with DYRK1B-related conditions. Advanced modeling of protein sequence and biophysical properties (such as structural, functional, and spatial information, amino acid conservation, physicochemical variation, residue mobility, and thermodynamic stability) performed at Invitae indicates that this missense variant is not expected to disrupt DYRK1B protein function. In summary, the available evidence is currently insufficient to determine the role of this variant in disease. Therefore, it has been classified as a Variant of Uncertain Significance.